The following is an entry in ClinVar:

ClinVar aggregate classification (germline): Uncertain significance. Review status: criteria provided, multiple submitters, no conflicts (2 of 4 stars). 2 submissions from 2 submitters: Uncertain significance (2). Last evaluated 2025-06-16.

Conditions:
Perlman syndrome (PRLMNS). Identifiers: Orphanet 2849, MedGen C0796113, MONDO:0009965, OMIM 267000.

Allele frequency attached by ClinVar (database versions not stated): ExAC 0.00001; gnomAD exomes 0.00001; TOPMed 0.00003; 1000 Genomes Project 30x 0.00016; 1000 Genomes Project 0.00020.
gnomAD v4.1: 21 of 1,614,130 alleles (0.0013%); highest among the groups gnomAD compares: East Asian, 0.047%; no homozygotes.

Submissions (2):

Labcorp Genetics (formerly Invitae), Labcorp
Classification: Uncertain significance for Perlman syndrome. Last evaluated: 2025-06-16. Review status: criteria provided, single submitter. Criteria: Invitae Variant Classification Sherloc (09022015). Collection method: clinical testing. Allele origin: germline.
Comment: This sequence change replaces proline, which is neutral and non-polar, with serine, which is neutral and polar, at codon 509 of the DIS3L2 protein (p.Pro509Ser). This variant is present in population databases (rs191662777, gnomAD 0.02%). This variant has not been reported in the literature in individuals affected with DIS3L2-related conditions. ClinVar contains an entry for this variant (Variation ID: 531918). An algorithm developed to predict the effect of missense changes on protein structure and function (PolyPhen-2) suggests that this variant is likely to be tolerated. In summary, the available evidence is currently insufficient to determine the role of this variant in disease. Therefore, it has been classified as a Variant of Uncertain Significance.

Fulgent Genetics
Classification: Uncertain significance for Perlman syndrome. Last evaluated: 2024-01-08. Review status: criteria provided, single submitter. Criteria: ACMG Guidelines, 2015. Collection method: clinical testing. Allele origin: germline.

NM_152383.5(DIS3L2):c.1525C>T (p.Pro509Ser)

Gene: DIS3L2 (DIS3 like 3'-5' exoribonuclease 2; plus strand). Cytogenetic location: 2q37.1.
Variant type: single nucleotide variant.
Coding change: c.1525C>T on transcript NM_152383.5 (MANE Select); coding-DNA position 1525, C replaced by T.
Protein change: p.Pro509Ser; replaces proline 509 with serine.
Molecular consequence: missense variant. On other transcripts: non-coding transcript variant (2).
Genome position (GRCh38, 1-based): chr2:232,263,306, C>T. VCF-style: chr2-232263306-C-T. GRCh37 (hg19) VCF-style: chr2-233128016-C-T.
Other names: c.1525C>T, p.Pro509Ser (NM_001257281.2); short protein forms P509S.
Identifiers: ClinVar variation 531918 (VCV000531918.11), dbSNP rs191662777, ClinGen allele CA2164176.